The following is an entry in ClinVar:

ClinVar aggregate classification (germline): Uncertain significance. Review status: criteria provided, multiple submitters, no conflicts (2 of 4 stars). 3 submissions from 3 submitters: Uncertain significance (3). Last evaluated 2024-07-20.

Conditions:
Familial focal epilepsy with variable foci (FPEVF). Identifiers: Orphanet 98820, MedGen C1858477, MONDO:0020310.

Allele frequency attached by ClinVar (database versions not stated): gnomAD 0.00003; TOPMed 0.00003.
gnomAD v4.1: 17 of 1,614,026 alleles (0.0011%); highest among the groups gnomAD compares: African/African-American, 0.004%; no homozygotes.

Submissions (3):

Labcorp Genetics (formerly Invitae), Labcorp
Classification: Uncertain significance for Familial focal epilepsy with variable foci. Last evaluated: 2024-07-20. Review status: criteria provided, single submitter. Criteria: Invitae Variant Classification Sherloc (09022015). Collection method: clinical testing. Allele origin: germline.
Comment: This sequence change replaces arginine, which is basic and polar, with glutamine, which is neutral and polar, at codon 587 of the DEPDC5 protein (p.Arg587Gln). This variant is present in population databases (rs754007438, gnomAD 0.007%). This variant has not been reported in the literature in individuals affected with DEPDC5-related conditions. ClinVar contains an entry for this variant (Variation ID: 1405532). Experimental studies and prediction algorithms are not available or were not evaluated, and the functional significance of this variant is currently unknown. In summary, the available evidence is currently insufficient to determine the role of this variant in disease. Therefore, it has been classified as a Variant of Uncertain Significance.

GeneDx
Classification: Uncertain significance. Last evaluated: 2024-05-16. Review status: criteria provided, single submitter. Criteria: GeneDx Variant Classification Process June 2021. Collection method: clinical testing. Allele origin: germline. Affected: yes.
Comment: In silico analysis indicates that this missense variant does not alter protein structure/function; Has not been previously published as pathogenic or benign to our knowledge

Blueprint Genetics
Classification: Uncertain significance. Last evaluated: 2021-04-12. Review status: criteria provided, single submitter. Criteria: ACMG Guidelines, 2015. Collection method: clinical testing. Allele origin: germline.

NM_001242896.3(DEPDC5):c.1760G>A (p.Arg587Gln)

Gene: DEPDC5 (DEP domain containing 5, GATOR1 subcomplex subunit; plus strand). Cytogenetic location: 22q12.3.
Variant type: single nucleotide variant.
Coding change: c.1760G>A on transcript NM_001242896.3 (MANE Select); coding-DNA position 1760, G replaced by A.
Protein change: p.Arg587Gln; replaces arginine 587 with glutamine.
Molecular consequence: missense variant. On other transcripts: non-coding transcript variant (5).
Genome position (GRCh38, 1-based): chr22:31,819,115, G>A. VCF-style: chr22-31819115-G-A. GRCh37 (hg19) VCF-style: chr22-32215101-G-A.
Other names: c.1760G>A, p.Arg587Gln (NM_001136029.4, NM_001242897.2, NM_001363852.2 and 6 more transcripts); c.1676G>A, p.Arg559Gln (NM_001369901.1, NM_001369902.1); c.1760G>A (NM_001242896.1); short protein forms R559Q, R587Q.
Identifiers: ClinVar variation 1405532 (VCV001405532.10), dbSNP rs754007438, ClinGen allele CA10196457.
Genomic context (GRCh38, chr22:31,819,115, plus strand): 5'-GAGACTCCAGTGCACCAGGGAGGTTTCACGTTGGCAGTGCAGAATCCATGCTGCATGTTC[G>A]ACCTGGTGGATACACGCCCCAGAGAGCACTGATTAACCCCTTCGCTCCCTCTCGGATGCC-3'
Protein context (NP_001229825.1, residues 577-597): VGSAESMLHV[Arg587Gln]PGGYTPQRAL